The following is an entry in ClinVar:

ClinVar aggregate classification (germline): Uncertain significance (1 of 4 stars; one submission).

Submission:

GeneDx
Classification: Uncertain significance. Last evaluated: 2024-07-26. Review status: criteria provided, single submitter. Criteria: GeneDx Variant Classification Process June 2021. Collection method: clinical testing. Allele origin: germline. Affected: yes.
Comment: Not observed at significant frequency in large population cohorts (gnomAD); In silico analysis indicates that this missense variant does not alter protein structure/function; Has not been previously published as pathogenic or benign to our knowledge

NM_004973.4(JARID2):c.57T>G (p.Asp19Glu)

Gene: JARID2 (jumonji and AT-rich interaction domain containing 2; plus strand). Cytogenetic location: 6p22.3.
Variant type: single nucleotide variant.
Coding change: c.57T>G on transcript NM_004973.4 (MANE Select); coding-DNA position 57, T replaced by G.
Protein change: p.Asp19Glu; replaces aspartic acid 19 with glutamic acid.
Molecular consequence: missense variant. On other transcripts: 5 prime UTR variant (1).
Genome position (GRCh38, 1-based): chr6:15,374,128, T>G. VCF-style: chr6-15374128-T-G. GRCh37 (hg19) VCF-style: chr6-15374359-T-G.
Other names: c.-460T>G (NM_001267040.1); short protein forms D19E.
Identifiers: ClinVar variation 3600720 (VCV003600720.1).